The following is an entry in ClinVar:

NM_004820.5(CYP7B1):c.96_97del (p.Cys34fs)

Gene: CYP7B1 (cytochrome P450 family 7 subfamily B member 1; minus strand). Cytogenetic location: 8q12.3.
Variant type: Deletion.
Coding change: c.96_97del on transcript NM_004820.5 (MANE Select); coding-DNA positions 96 to 97, 2 bases deleted (CC; older notation c.96_97delCC).
Protein change: p.Cys34fs; shifts the reading frame from cysteine 34.
Molecular consequence: frameshift variant.
Genome position (GRCh38, 1-based): chr8:64,798,491-64,798,492, GG deleted on the plus strand (CC on the coding strand, the reverse complement: CYP7B1 is on the minus strand); deleting any 2 consecutive bases within chr8:64,798,491-64,798,493 gives the same sequence; the c. name uses the placement nearest the transcript's 3' end. VCF-style (leftmost placement, unchanged base first): chr8-64798490-AGG-A. GRCh37 (hg19) VCF-style: chr8-65711047-AGG-A.
Other names: c.96_97del, p.Cys34fs (NM_001324112.2); short protein forms C34fs.
Identifiers: ClinVar variation 3695869 (VCV003695869.2).

ClinVar aggregate classification (germline): Pathogenic (1 of 4 stars; one submission).

Conditions:
Spastic paraplegia. Identifiers: MedGen C0037772, HP:0001258.

Submission:

Labcorp Genetics (formerly Invitae), Labcorp
Classification: Pathogenic for Spastic paraplegia. Last evaluated: 2024-03-07. Review status: criteria provided, single submitter. Criteria: Invitae Variant Classification Sherloc (09022015). Collection method: clinical testing. Allele origin: germline.
Comment: This sequence change creates a premature translational stop signal (p.Cys34Leufs*11) in the CYP7B1 gene. It is expected to result in an absent or disrupted protein product. Loss-of-function variants in CYP7B1 are known to be pathogenic (PMID: 9802883, 19363635, 19439420, 21541746, 21567895, 28039895). This variant is not present in population databases (gnomAD no frequency). This variant has not been reported in the literature in individuals affected with CYP7B1-related conditions. For these reasons, this variant has been classified as Pathogenic.

Literature cited by the submitters: PubMed 9802883; PubMed 19363635; PubMed 19439420; PubMed 21541746; PubMed 21567895; PubMed 28039895.